The following is an entry in ClinVar:

ClinVar aggregate classification (germline): Uncertain significance (1 of 4 stars; one submission).

Conditions:
WNK1-related disorder. Also called: WNK1-related condition.

gnomAD v4.1: 2 of 1,613,820 alleles (0.00012%); highest among the groups gnomAD compares: African/African-American, 0.0027%; no homozygotes.

Submission:

PreventionGenetics, part of Exact Sciences
Classification: Uncertain significance for WNK1-related condition. Last evaluated: 2025-08-19. Review status: criteria provided, single submitter. Criteria: ACMG Guidelines, 2015. Collection method: clinical testing. Allele origin: germline.
Comment: The WNK1 c.2860T>C variant is predicted to result in the amino acid substitution p.Tyr954His. To our knowledge, this variant has not been reported in the literature or in a large population database (gnomAD), indicating this variant is rare. At this time, the clinical significance of this variant is uncertain due to the absence of conclusive functional and genetic evidence.

NM_018979.4(WNK1):c.2860T>C (p.Tyr954His)

Gene: WNK1 (WNK lysine deficient protein kinase 1; plus strand). Cytogenetic location: 12p13.33.
Variant type: single nucleotide variant.
Coding change: c.2860T>C on transcript NM_018979.4 (MANE Select); coding-DNA position 2860, T replaced by C.
Protein change: p.Tyr954His; replaces tyrosine 954 with histidine.
Molecular consequence: missense variant. On other transcripts: intron variant (2).
Genome position (GRCh38, 1-based): chr12:880,748, T>C. VCF-style: chr12-880748-T-C. GRCh37 (hg19) VCF-style: chr12-989914-T-C.
Other names: c.3640T>C, p.Tyr1214His (NM_001184985.2); c.3868-944T>C (NM_213655.5); c.2371-944T>C (NM_014823.3); short protein forms Y954H, Y1214H.
Identifiers: ClinVar variation 4983085 (VCV004983085.1).